The following is an entry in ClinVar:

ClinVar aggregate classification (germline): Uncertain significance (1 of 4 stars; one submission).

gnomAD v4.1: 2 of 1,613,838 alleles (0.00012%); highest among the groups gnomAD compares: South Asian, 0.0022%; no homozygotes.

Submission:

GeneDx
Classification: Uncertain significance. Last evaluated: 2024-09-03. Review status: criteria provided, single submitter. Criteria: GeneDx Variant Classification Process June 2021. Collection method: clinical testing. Allele origin: germline. Affected: yes.
Comment: Not observed at significant frequency in large population cohorts (gnomAD); In silico analysis supports that this missense variant has a deleterious effect on protein structure/function; Has not been previously published as pathogenic or benign to our knowledge

NM_032108.4(SEMA6B):c.1222G>A (p.Ala408Thr)

Gene: SEMA6B (semaphorin 6B; minus strand). Cytogenetic location: 19p13.3.
Variant type: single nucleotide variant.
Coding change: c.1222G>A on transcript NM_032108.4 (MANE Select); coding-DNA position 1222, G replaced by A.
Protein change: p.Ala408Thr; replaces alanine 408 with threonine.
Molecular consequence: missense variant.
Genome position (GRCh38, 1-based): chr19:4,550,172, C>T on the plus strand (G>A on the coding strand, the complement: SEMA6B is on the minus strand). VCF-style: chr19-4550172-C-T. GRCh37 (hg19) VCF-style: chr19-4550184-C-T.
Other names: short protein forms A408T.
Identifiers: ClinVar variation 3765945 (VCV003765945.1).
Genomic context (GRCh38, chr19:4,550,172, plus strand): 5'-CCAGGACCGACCTCATCAGGGTCCGCAGGATCCAGGGCGCATGGCCCAGCGAGGGCACCG[C>T]CTCGTCCATCAGAGGGTGGGTCTTGACAAAGTTGAGGATGTCATCCGGCAAGGCGCTGGA-3'
Protein context (NP_115484.2, residues 398-418): FVKTHPLMDE[Ala408Thr]VPSLGHAPWI